The following is an entry in ClinVar:

NM_002495.4(NDUFS4):c.466_470dup (p.Lys158fs)

Gene: NDUFS4 (NADH:ubiquinone oxidoreductase subunit S4; plus strand). Cytogenetic location: 5q11.2.
Variant type: Duplication.
Coding change: c.466_470dup on transcript NM_002495.4 (MANE Select); coding-DNA positions 466 to 470, 5 bases duplicated (AAGTC; older notation c.466_470dupAAGTC).
Protein change: p.Lys158fs; shifts the reading frame from lysine 158.
Molecular consequence: frameshift variant. On other transcripts: 3 prime UTR variant (1), non-coding transcript variant (3).
Genome position (GRCh38, 1-based): chr5:53,683,159-53,683,163, AAGTC duplicated; duplicating any 5 consecutive bases within chr5:53,683,158-53,683,163 gives the same sequence; the c. name uses the placement nearest the transcript's 3' end. VCF-style (leftmost placement, unchanged base first): chr5-53683157-C-CCAAGT. GRCh37 (hg19) VCF-style: chr5-52978987-C-CCAAGT.
Other names: c.*29_*33dup (NM_001318051.2); c.466_470dup (NM_002495.2); short protein forms K158fs.
Identifiers: ClinVar variation 6887 (VCV000006887.8), dbSNP rs1445075330, ClinGen allele CA559663161.

ClinVar aggregate classification (germline): Pathogenic/Likely pathogenic. Review status: criteria provided, multiple submitters, no conflicts (2 of 4 stars). 6 submissions from 6 submitters: Pathogenic (3); Likely pathogenic (2). 1 of the submissions does not count toward it. Last evaluated 2024-03-28.

Conditions:
Mitochondrial complex I deficiency, nuclear type 1. Also called: NADH-COENZYME Q REDUCTASE DEFICIENCY; MITOCHONDRIAL NADH DEHYDROGENASE COMPONENT OF COMPLEX I, DEFICIENCY OF. Identifiers: MedGen C6022305, MONDO:0100224, OMIM 252010.
Leigh syndrome (NULS). Also called: Leigh's syndrome; Necrotizing encephalopathy infantile subacute of Leigh; Leigh's necrotizing encephalopathy; Leigh's disease; Leigh Disease; Subacute necrotizing encephalopathy. Identifiers: Orphanet 506, MedGen C2931891, MONDO:0009723, OMIM 256000.

Submissions (6):

Baylor Genetics
Classification: Pathogenic for Mitochondrial complex I deficiency, nuclear type 1. Last evaluated: 2024-03-28. Review status: criteria provided, single submitter. Criteria: ACMG Guidelines, 2015. Collection method: clinical testing. Allele origin: unknown.

GeneDx
Classification: Pathogenic. Last evaluated: 2024-02-27. Review status: criteria provided, single submitter. Criteria: GeneDx Variant Classification Process June 2021. Collection method: clinical testing. Allele origin: germline. Affected: yes.
Comment: Frameshift variant predicted to result in abnormal protein length as the last 18 amino acids are replaced with 32 different amino acids, and other similar variants have been reported in HGMD; Not observed at significant frequency in large population cohorts (gnomAD); This variant is associated with the following publications: (PMID: 17383918, 28753212, 19255735, 12944388, 34849584, 9463323)

Fulgent Genetics
Classification: Likely pathogenic for Mitochondrial complex I deficiency, nuclear type 1. Last evaluated: 2022-01-07. Review status: criteria provided, single submitter. Criteria: ACMG Guidelines, 2015. Collection method: clinical testing. Allele origin: unknown.

Women's Health and Genetics/Laboratory Corporation of America, LabCorp
Classification: Pathogenic for Leigh syndrome. Last evaluated: 2020-11-25. Review status: criteria provided, single submitter. Criteria: LabCorp Variant Classification Summary - May 2015. Collection method: clinical testing. Allele origin: germline.
Comment: Variant summary: NDUFS4 c.466_470dupAAGTC (p.Lys158SerfsX33) causes a frameshift which results in an extension of the protein. The variant allele was found at a frequency of 4e-06 in 250804 control chromosomes. c.466_470dupAAGTC has been reported in the literature in individuals affected with Leigh Syndrome or complex I deficiency (Heuvel_1998, Vogel_2007). These data indicate that the variant may be associated with disease. At least one publication reports experimental evidence evaluating an impact on protein function. The most pronounced variant effect results in 10%-<30% of normal activity (Scacco_2003). No clinical diagnostic laboratories have submitted clinical-significance assessments for this variant to ClinVar after 2014. Based on the evidence outlined above, the variant was classified as pathogenic.

Juno Genomics, Hangzhou Juno Genomics, Inc
Classification: Likely pathogenic for Mitochondrial complex I deficiency, nuclear type 1. Review status: criteria provided, single submitter. Criteria: ACMG Guidelines, 2015. Collection method: clinical testing. Allele origin: germline.
Comment: Absent from controls (or at extremely low frequency if recessive) in Genome Aggregation Database.;Null variant in a gene where loss of function (LOF) is a known mechanism of disease.;For recessive disorders, detected in trans with a pathogenic variant.;Patient's phenotype or family history is highly specific for a disease with a single genetic etiology.

OMIM
Classification: Pathogenic for MITOCHONDRIAL COMPLEX I DEFICIENCY, NUCLEAR TYPE 1. Last evaluated: 2022-04-27. Review status: no assertion criteria provided. Collection method: literature only. Allele origin: germline. Not counted in ClinVar's aggregate classification.

Literature cited by the submitters: PubMed 9463323 (cited by Women's Health and Genetics/Laboratory Corporation of America, LabCorp); PubMed 12944388 (cited by Women's Health and Genetics/Laboratory Corporation of America, LabCorp); PubMed 17383918 (cited by Women's Health and Genetics/Laboratory Corporation of America, LabCorp); PubMed 34849584 (cited by OMIM).